The following is an entry in ClinVar:

ClinVar aggregate classification (germline): Uncertain significance (1 of 4 stars; one submission).

Allele frequency attached by ClinVar (database versions not stated): gnomAD exomes below 0.00001.
gnomAD v4.1: 2 of 1,210,979 alleles (0.00017%); highest among the groups gnomAD compares: Non-Finnish European, 0.00022%; no homozygotes.

Submission:

GeneDx
Classification: Uncertain significance. Last evaluated: 2025-03-13. Review status: criteria provided, single submitter. Criteria: GeneDx Variant Classification Process June 2021. Collection method: clinical testing. Allele origin: germline. Affected: yes.
Comment: Not observed at significant frequency in large population cohorts (gnomAD); In silico analysis indicates that this missense variant does not alter protein structure/function; Has not been previously published as pathogenic or benign to our knowledge

NM_001368397.1(FRMPD4):c.1039C>G (p.Gln347Glu)

Gene: FRMPD4 (FERM and PDZ domain containing 4; plus strand). Cytogenetic location: Xp22.2.
Variant type: single nucleotide variant.
Coding change: c.1039C>G on transcript NM_001368397.1 (MANE Select); coding-DNA position 1039, C replaced by G.
Protein change: p.Gln347Glu; replaces glutamine 347 with glutamic acid.
Molecular consequence: missense variant.
Genome position (GRCh38, 1-based): chrX:12,701,979, C>G. VCF-style: chrX-12701979-C-G. GRCh37 (hg19) VCF-style: chrX-12720098-C-G.
Other names: c.1150C>G, p.Gln384Glu (NM_001368395.3, NM_001368398.3); c.1045C>G, p.Gln349Glu (NM_001368396.3); c.1030C>G, p.Gln344Glu (NM_001368399.3); c.919C>G, p.Gln307Glu (NM_001368400.3); c.1015C>G, p.Gln339Glu (NM_001368401.1, NM_001368402.3); c.1039C>G, p.Gln347Glu (NM_014728.3); short protein forms Q307E, Q339E, Q344E, Q347E, Q349E, Q384E.
Identifiers: ClinVar variation 1310719 (VCV001310719.3), dbSNP rs2147140188, ClinGen allele CA412008530.